The following is an entry in ClinVar:

NM_000096.4(CP):c.1306C>T (p.Arg436Ter)

Gene: CP (ceruloplasmin; minus strand). Cytogenetic location: 3q25.1.
Variant type: single nucleotide variant.
Coding change: c.1306C>T on transcript NM_000096.4 (MANE Select); coding-DNA position 1306, C replaced by T.
Protein change: p.Arg436Ter; replaces arginine 436 with a stop codon.
Molecular consequence: nonsense. On other transcripts: non-coding transcript variant (1).
Genome position (GRCh38, 1-based): chr3:149,202,144, G>A on the plus strand (C>T on the coding strand, the complement: CP is on the minus strand). VCF-style: chr3-149202144-G-A. GRCh37 (hg19) VCF-style: chr3-148919931-G-A.
Other names: short protein forms R436*.
Identifiers: ClinVar variation 2203453 (VCV002203453.4), dbSNP rs779026502, ClinGen allele CA2661073.

ClinVar aggregate classification (germline): Pathogenic (1 of 4 stars; one submission).

Conditions:
Deficiency of ferroxidase (ACEP). Also called: Deficiency of ceruloplasmin; NEURODEGENERATION WITH BRAIN IRON ACCUMULATION 10; Ceruloplasmin deficiency; Familial apoceruloplasmin deficiency; Hereditary ceruloplasmin deficiency; Aceruloplasminemia. Identifiers: Orphanet 48818, MedGen C0878682, MONDO:0011426, OMIM 604290, HP:0025498.

Allele frequency attached by ClinVar (database versions not stated): ExAC 0.00002.

Submission:

Labcorp Genetics (formerly Invitae), Labcorp
Classification: Pathogenic for Deficiency of ferroxidase. Last evaluated: 2022-05-29. Review status: criteria provided, single submitter. Criteria: Invitae Variant Classification Sherloc (09022015). Collection method: clinical testing. Allele origin: germline.
Comment: For these reasons, this variant has been classified as Pathogenic. This variant is present in population databases (rs779026502, gnomAD 0.003%). This premature translational stop signal has been observed in individual(s) with aceruloplasminemia (PMID: 25247888). This sequence change creates a premature translational stop signal (p.Arg436*) in the CP gene. It is expected to result in an absent or disrupted protein product. Loss-of-function variants in CP are known to be pathogenic (PMID: 16629161).

Literature cited by the submitters: PubMed 25247888; PubMed 16629161.